The following is an entry in ClinVar:

ClinVar aggregate classification (germline): Benign. Review status: criteria provided, multiple submitters, no conflicts (2 of 4 stars). 2 submissions from 2 submitters: Benign (2). Last evaluated 2026-01-19.

Conditions:
CRAT-related disorder. Also called: CRAT-related condition.

Allele frequency attached by ClinVar (database versions not stated): 1000 Genomes Project 0.00040; 1000 Genomes Project 30x 0.00047; ESP Exome Variant Server 0.00100; TOPMed 0.00104; gnomAD 0.00105 and 0.00108.
gnomAD v4.1: 2,084 of 1,611,774 alleles (0.13%); highest among the groups gnomAD compares: Middle Eastern, 0.2%; 8 homozygotes.

Submissions (2):

Labcorp Genetics (formerly Invitae), Labcorp
Classification: Benign. Last evaluated: 2026-01-19. Review status: criteria provided, single submitter. Criteria: Invitae Variant Classification Sherloc (09022015). Collection method: clinical testing. Allele origin: germline.

PreventionGenetics, part of Exact Sciences
Classification: Benign for CRAT-related condition. Last evaluated: 2025-12-03. Review status: criteria provided, single submitter. Criteria: ACMG Guidelines, 2015. Collection method: clinical testing. Allele origin: germline.
Comment: This variant is classified as benign based on ACMG/AMP sequence variant interpretation guidelines (Richards et al. 2015 PMID: 25741868, with internal and published modifications).

NM_000755.5(CRAT):c.384C>G (p.Asp128Glu)

Gene: CRAT (carnitine O-acetyltransferase; minus strand). Cytogenetic location: 9q34.11.
Variant type: single nucleotide variant.
Coding change: c.384C>G on transcript NM_000755.5 (MANE Select); coding-DNA position 384, C replaced by G.
Protein change: p.Asp128Glu; replaces aspartic acid 128 with glutamic acid.
Molecular consequence: missense variant.
Genome position (GRCh38, 1-based): chr9:129,104,214, G>C on the plus strand (C>G on the coding strand, the complement: CRAT is on the minus strand). VCF-style: chr9-129104214-G-C. GRCh37 (hg19) VCF-style: chr9-131866493-G-C.
Other names: c.321C>G, p.Asp107Glu (NM_001257363.3, NM_001346548.2, NM_004003.4); c.387C>G, p.Asp129Glu (NM_001346546.2); c.384C>G, p.Asp128Glu (NM_001346547.2); c.264C>G, p.Asp88Glu (NM_001346549.2); c.384C>G (NM_000755.4); short protein forms D107E, D128E, D129E, D88E.
Identifiers: ClinVar variation 1166663 (VCV001166663.10), dbSNP rs148243375, ClinGen allele CA5275784.